The following is an entry in ClinVar:

NM_001367721.1(CASK):c.984dup (p.Pro329fs)

Gene: CASK (calcium/calmodulin dependent serine protein kinase; minus strand). Cytogenetic location: Xp11.4.
Variant type: Duplication.
Coding change: c.984dup on transcript NM_001367721.1 (MANE Select); coding-DNA position 984, one base duplicated (A; older notation c.984dupA).
Protein change: p.Pro329fs; shifts the reading frame from proline 329.
Molecular consequence: frameshift variant.
Genome position (GRCh38, 1-based): chrX:41,626,635, T duplicated on the plus strand (A on the coding strand, the reverse complement: CASK is on the minus strand). VCF-style (leftmost placement, unchanged base first): chrX-41626634-G-GT. GRCh37 (hg19) VCF-style: chrX-41485887-G-GT.
Other names: c.984dup, p.Pro329fs (NM_001126054.3, NM_001126055.3, NM_001410745.1 and 1 more transcripts); short protein forms P329fs.
Identifiers: ClinVar variation 4855099 (VCV004855099.1).

ClinVar aggregate classification (germline): Likely pathogenic (1 of 4 stars; one submission).

Conditions:
Syndromic X-linked intellectual disability Najm type (MICPCH). Also called: Intellectual Disability and Microcephaly with Pontine and Cerebellar Hypoplasia; Intellectual Disability and Microcephaly with Pontine and Cerebellar Hypoplasia (MICPCH); MICPCH SYNDROME; Intellectual developmental disorder and microcephaly with pontine and cerebellar hypoplasia; Mental retardation and microcephaly with pontine and cerebellar hypoplasia; MENTAL RETARDATION, X-LINKED, SYNDROMIC, NAJM TYPE. Identifiers: Orphanet 163937, MedGen C2677903, MONDO:0010417, OMIM 300749.

Submission:

3billion
Classification: Likely pathogenic for Syndromic X-linked intellectual disability Najm type. Last evaluated: 2025-05-26. Review status: criteria provided, single submitter. Criteria: ACMG Guidelines, 2015. Collection method: clinical testing. Allele origin: germline. Affected: yes.
Comment: The variant is not observed in the gnomAD v4.1.0 dataset. Predicted Consequence/Location: Frameshift: predicted to result in a loss or disruption of normal protein function through nonsense-mediated decay (NMD) or protein truncation. Multiple pathogenic variants are reported downstream of the variant. Therefore, this variant is classified as Likely pathogenic according to the recommendation of ACMG/AMP guideline.